The following is an entry in ClinVar:

NM_001164508.2(NEB):c.25329A>G (p.Pro8443=)

Genes: NEB (nebulin; minus strand), RIF1 (replication timing regulatory factor 1; plus strand). Cytogenetic location: 2q23.3.
Variant type: single nucleotide variant.
Coding change: c.25329A>G on transcript NM_001164508.2 (MANE Select); coding-DNA position 25329, A replaced by G.
Protein change: p.Pro8443=; no amino-acid change (proline 8443 retained).
Molecular consequence: synonymous variant.
Genome position (GRCh38, 1-based): chr2:151,490,046, T>C on the plus strand (A>G on the coding strand, the complement: NEB is on the minus strand). VCF-style: chr2-151490046-T-C. GRCh37 (hg19) VCF-style: chr2-152346560-T-C.
Other names: c.25329A>G, p.Pro8443= (NM_001164507.2); c.25434A>G, p.Pro8478= (NM_001271208.2); c.19761A>G, p.Pro6587= (NM_004543.5).
Identifiers: ClinVar variation 4847790 (VCV004847790.1).

ClinVar aggregate classification (germline): Likely benign (1 of 4 stars; one submission).

gnomAD v4.1: 3 of 1,612,776 alleles (0.00019%); highest among the groups gnomAD compares: Non-Finnish European, 0.00025%; no homozygotes.

Submission:

Women's Health and Genetics/Laboratory Corporation of America, LabCorp
Classification: Likely benign. Last evaluated: 2026-02-16. Review status: criteria provided, single submitter. Criteria: LabCorp Variant Classification Summary - May 2015. Collection method: clinical testing. Allele origin: germline.
Comment: Variant summary: NEB c.25434A>G alters a conserved nucleotide resulting in a synonymous change. Consensus agreement among computation tools predict no significant impact on normal splicing. However, these predictions have yet to be confirmed by functional studies. The variant was absent in 248230 control chromosomes. The available data on variant occurrences in the general population are insufficient to allow any conclusion about variant significance. To our knowledge, no occurrence of c.25434A>G in individuals affected with NEB-related conditions and no experimental evidence demonstrating its impact on protein function have been reported. ClinVar contains an entry for this variant (Variation ID: 3640834). Based on the evidence outlined above, the variant was classified as likely benign.